The following is an entry in ClinVar:

NM_006946.4(SPTBN2):c.3113C>T (p.Ala1038Val)

Gene: SPTBN2 (spectrin beta, non-erythrocytic 2; minus strand). Cytogenetic location: 11q13.2.
Variant type: single nucleotide variant.
Coding change: c.3113C>T on transcript NM_006946.4 (MANE Select); coding-DNA position 3113, C replaced by T.
Protein change: p.Ala1038Val; replaces alanine 1038 with valine.
Molecular consequence: missense variant.
Genome position (GRCh38, 1-based): chr11:66,700,986, G>A on the plus strand (C>T on the coding strand, the complement: SPTBN2 is on the minus strand). VCF-style: chr11-66700986-G-A. GRCh37 (hg19) VCF-style: chr11-66468457-G-A.
Other names: c.3134C>T, p.Ala1045Val (NM_001411025.1); c.3113C>T, p.Ala1038Val (NM_001437541.1); short protein forms A1038V, A1045V.
Identifiers: ClinVar variation 4809545 (VCV004809545.1).

ClinVar aggregate classification (germline): Uncertain significance (1 of 4 stars; one submission).

Submission:

Labcorp Genetics (formerly Invitae), Labcorp
Classification: Uncertain significance. Last evaluated: 2025-04-09. Review status: criteria provided, single submitter. Criteria: Invitae Variant Classification Sherloc (09022015). Collection method: clinical testing. Allele origin: germline.
Comment: This sequence change replaces alanine, which is neutral and non-polar, with valine, which is neutral and non-polar, at codon 1038 of the SPTBN2 protein (p.Ala1038Val). This variant is not present in population databases (gnomAD no frequency). This variant has not been reported in the literature in individuals affected with SPTBN2-related conditions. Invitae Evidence Modeling of protein sequence and biophysical properties (such as structural, functional, and spatial information, amino acid conservation, physicochemical variation, residue mobility, and thermodynamic stability) indicates that this missense variant is not expected to disrupt SPTBN2 protein function with a negative predictive value of 80%. In summary, the available evidence is currently insufficient to determine the role of this variant in disease. Therefore, it has been classified as a Variant of Uncertain Significance.